The following is an entry in ClinVar:

ClinVar aggregate classification (germline): Uncertain significance (1 of 4 stars; one submission).

Submission:

GeneDx
Classification: Uncertain significance. Last evaluated: 2026-03-11. Review status: criteria provided, single submitter. Criteria: GeneDx Variant Classification Process June 2021. Collection method: clinical testing. Allele origin: germline.
Comment: Not observed at significant frequency in large population cohorts (gnomAD); In silico analysis suggests that this missense variant does not alter protein structure/function; Has not been previously published as pathogenic or benign to our knowledge

NM_005445.4(SMC3):c.746G>A (p.Ser249Asn)

Gene: SMC3 (structural maintenance of chromosomes 3; plus strand). Cytogenetic location: 10q25.2.
Variant type: single nucleotide variant.
Coding change: c.746G>A on transcript NM_005445.4 (MANE Select); coding-DNA position 746, G replaced by A.
Protein change: p.Ser249Asn; replaces serine 249 with asparagine.
Molecular consequence: missense variant.
Genome position (GRCh38, 1-based): chr10:110,582,584, G>A. VCF-style: chr10-110582584-G-A. GRCh37 (hg19) VCF-style: chr10-112342342-G-A.
Other names: short protein forms S249N.
Identifiers: ClinVar variation 5009016 (VCV005009016.1).